The following is an entry in ClinVar:

NM_001903.5(CTNNA1):c.287A>G (p.Asp96Gly)

Gene: CTNNA1 (catenin alpha 1; plus strand). Cytogenetic location: 5q31.2.
Variant type: single nucleotide variant.
Coding change: c.287A>G on transcript NM_001903.5 (MANE Select); coding-DNA position 287, A replaced by G.
Protein change: p.Asp96Gly; replaces aspartic acid 96 with glycine.
Molecular consequence: missense variant. On other transcripts: intron variant (2).
Genome position (GRCh38, 1-based): chr5:138,783,358, A>G. VCF-style: chr5-138783358-A-G. GRCh37 (hg19) VCF-style: chr5-138119047-A-G.
Other names: c.287A>G, p.Asp96Gly (NM_001290307.3, NM_001323982.2, NM_001323983.1 and 3 more transcripts); c.-6+86A>G (NM_001290310.3); c.-9+1329A>G (NM_001290309.3); short protein forms D96G.
Identifiers: ClinVar variation 1014804 (VCV001014804.12), dbSNP rs772151551, ClinGen allele CA3431394.

ClinVar aggregate classification (germline): Conflicting classifications of pathogenicity. Review status: criteria provided, conflicting classifications (1 of 4 stars). 3 submissions from 3 submitters: Uncertain significance (2); Likely benign (1). Last evaluated 2025-05-23.

Conditions:
Hereditary cancer-predisposing syndrome. Also called: Hereditary Cancer Syndrome; Hereditary neoplastic syndrome; Tumor predisposition; Neoplastic Syndromes, Hereditary. Identifiers: Orphanet 140162, MedGen C0027672, MeSH D009386, MONDO:0015356.

Allele frequency attached by ClinVar (database versions not stated): gnomAD below 0.00001 and 0.00001; gnomAD exomes 0.00001 and 0.00002; ExAC 0.00002.
gnomAD v4.1: 16 of 1,613,288 alleles (0.00099%); highest among the groups gnomAD compares: South Asian, 0.018%; no homozygotes.

Submissions (3):

Labcorp Genetics (formerly Invitae), Labcorp
Classification: Uncertain significance. Last evaluated: 2025-05-23. Review status: criteria provided, single submitter. Criteria: Invitae Variant Classification Sherloc (09022015). Collection method: clinical testing. Allele origin: germline.
Comment: This sequence change replaces aspartic acid, which is acidic and polar, with glycine, which is neutral and non-polar, at codon 96 of the CTNNA1 protein (p.Asp96Gly). This variant is present in population databases (rs772151551, gnomAD 0.02%). This variant has not been reported in the literature in individuals affected with CTNNA1-related conditions. ClinVar contains an entry for this variant (Variation ID: 1014804). Invitae Evidence Modeling of protein sequence and biophysical properties (such as structural, functional, and spatial information, amino acid conservation, physicochemical variation, residue mobility, and thermodynamic stability) indicates that this missense variant is not expected to disrupt CTNNA1 protein function with a negative predictive value of 80%. In summary, the available evidence is currently insufficient to determine the role of this variant in disease. Therefore, it has been classified as a Variant of Uncertain Significance.

Blueprint Genetics
Classification: Uncertain significance. Last evaluated: 2024-10-18. Review status: criteria provided, single submitter. Criteria: ACMG Guidelines, 2015. Collection method: clinical testing. Allele origin: germline.

Ambry Genetics
Classification: Likely benign for Hereditary cancer-predisposing syndrome. Last evaluated: 2024-06-06. Review status: criteria provided, single submitter. Criteria: Ambry Variant Classification Scheme 2023. Collection method: clinical testing. Allele origin: germline.